The following is an entry in ClinVar:

NM_002016.2(FLG):c.11190T>C (p.Ser3730=)

Genes: CCDST (cervical cancer associated DHX9 suppressive transcript; plus strand), FLG (filaggrin; minus strand). Cytogenetic location: 1q21.3.
Variant type: single nucleotide variant.
Coding change: c.11190T>C on transcript NM_002016.2 (MANE Select); coding-DNA position 11190, T replaced by C.
Protein change: p.Ser3730=; no amino-acid change (serine 3730 retained).
Molecular consequence: synonymous variant.
Genome position (GRCh38, 1-based): chr1:152,303,696, A>G on the plus strand (T>C on the coding strand, the complement: FLG is on the minus strand). VCF-style: chr1-152303696-A-G. GRCh37 (hg19) VCF-style: chr1-152276172-A-G.
Identifiers: ClinVar variation 2639226 (VCV002639226.24), dbSNP rs749182653, ClinGen allele CA1103013.
Genomic context (GRCh38, chr1:152,303,696, plus strand): 5'-CGCTGAGTGCCTGGAGCTGTCTCGTGCCTGCTCGTGGCGGGATCCTTGTCTTCCTCCAGT[A>G]CTGGGCCCAGCCCGTCCATGGGCAGACTCAGACTGTTCATGAGTGCTCACCTGGTAGAGG-3'
Protein context (NP_002007.1, residues 3720-3740): SESAHGRAGP[Ser3730=]TGGRQGSRHE

ClinVar aggregate classification (germline): Likely benign (1 of 4 stars; one submission).

Allele frequency attached by ClinVar (database versions not stated): gnomAD 0.00016; ExAC 0.00019; gnomAD exomes 0.00028.
gnomAD v4.1: 444 of 1,613,672 alleles (0.028%); highest among the groups gnomAD compares: Non-Finnish European, 0.035%; no homozygotes.

Submission:

CeGaT Center for Human Genetics Tuebingen
Classification: Likely benign. Last evaluated: 2024-01-01. Review status: criteria provided, single submitter. Criteria: CeGaT Center For Human Genetics Tuebingen Variant Classification Criteria Version 2. Collection method: clinical testing. Allele origin: germline. Affected: yes. Observed: 2 variant alleles.
Comment: FLG: BP4, BP7